The following is an entry in ClinVar:

ClinVar aggregate classification (germline): Uncertain significance (1 of 4 stars; one submission).

Conditions:
Accelerated tumor formation, susceptibility to (ACTFS). Identifiers: MedGen C3280690, OMIM 614401, MONDO:0013733.

Allele frequency attached by ClinVar (database versions not stated): gnomAD 0.00001 and 0.00003; gnomAD exomes 0.00002; ExAC 0.00003; 1000 Genomes Project 30x 0.00016; 1000 Genomes Project 0.00020.
gnomAD v4.1: 31 of 1,614,042 alleles (0.0019%); highest among the groups gnomAD compares: South Asian, 0.027%; no homozygotes.

Submission:

Labcorp Genetics (formerly Invitae), Labcorp
Classification: Uncertain significance for Accelerated tumor formation, susceptibility to. Last evaluated: 2021-02-20. Review status: criteria provided, single submitter. Criteria: Invitae Variant Classification Sherloc (09022015). Collection method: clinical testing. Allele origin: germline.
Comment: This variant has not been reported in the literature in individuals with MDM2-related conditions. In summary, the available evidence is currently insufficient to determine the role of this variant in disease. Therefore, it has been classified as a Variant of Uncertain Significance. Algorithms developed to predict the effect of missense changes on protein structure and function output the following: SIFT: "Tolerated"; PolyPhen-2: "Benign"; Align-GVGD: "Class C0". The glycine amino acid residue is found in multiple mammalian species, suggesting that this missense change does not adversely affect protein function. These predictions have not been confirmed by published functional studies and their clinical significance is uncertain. This variant is present in population databases (rs570992498, ExAC 0.02%). This sequence change replaces serine with glycine at codon 407 of the MDM2 protein (p.Ser407Gly). The serine residue is moderately conserved and there is a small physicochemical difference between serine and glycine.

NM_002392.6(MDM2):c.1219A>G (p.Ser407Gly)

Gene: MDM2 (MDM2 proto-oncogene; plus strand). Cytogenetic location: 12q15.
Variant type: single nucleotide variant.
Coding change: c.1219A>G on transcript NM_002392.6 (MANE Select); coding-DNA position 1219, A replaced by G.
Protein change: p.Ser407Gly; replaces serine 407 with glycine.
Molecular consequence: missense variant.
Genome position (GRCh38, 1-based): chr12:68,839,574, A>G. VCF-style: chr12-68839574-A-G. GRCh37 (hg19) VCF-style: chr12-69233354-A-G.
Other names: c.1060A>G, p.Ser354Gly (NM_001145337.3); c.1054A>G, p.Ser352Gly (NM_001145339.2); c.613A>G, p.Ser205Gly (NM_001145340.3); c.691A>G, p.Ser231Gly (NM_001278462.2); c.1201A>G, p.Ser401Gly (NM_001367990.1); short protein forms S205G, S352G, S401G, S407G, S231G, S354G.
Identifiers: ClinVar variation 1437694 (VCV001437694.8), dbSNP rs570992498, ClinGen allele CA6678876.